The following is an entry in ClinVar:

NM_001010892.3(RSPH4A):c.2055G>C (p.Glu685Asp)

Gene: RSPH4A (radial spoke head component 4A; plus strand). Cytogenetic location: 6q22.1.
Variant type: single nucleotide variant.
Coding change: c.2055G>C on transcript NM_001010892.3 (MANE Select); coding-DNA position 2055, G replaced by C.
Protein change: p.Glu685Asp; replaces glutamic acid 685 with aspartic acid.
Molecular consequence: missense variant. On other transcripts: 3 prime UTR variant (1).
Genome position (GRCh38, 1-based): chr6:116,632,345, G>C. VCF-style: chr6-116632345-G-C. GRCh37 (hg19) VCF-style: chr6-116953508-G-C.
Other names: c.*116G>C (NM_001161664.2); short protein forms E685D.
Identifiers: ClinVar variation 1467904 (VCV001467904.8), dbSNP rs2115368533, ClinGen allele CA365413285.

ClinVar aggregate classification (germline): Uncertain significance (1 of 4 stars; one submission).

Conditions:
Primary ciliary dyskinesia. Also called: Ciliary dyskinesia. Identifiers: Orphanet 244, MedGen C0008780, MONDO:0016575, HP:0012265.

Allele frequency attached by ClinVar (database versions not stated): gnomAD exomes below 0.00001.
gnomAD v4.1: 1 of 1,614,090 alleles (0.000062%); highest among the groups gnomAD compares: Non-Finnish European, 0.000085%; no homozygotes.

Submission:

Labcorp Genetics (formerly Invitae), Labcorp
Classification: Uncertain significance for Primary ciliary dyskinesia. Last evaluated: 2021-02-22. Review status: criteria provided, single submitter. Criteria: Invitae Variant Classification Sherloc (09022015). Collection method: clinical testing. Allele origin: germline.
Comment: In summary, the available evidence is currently insufficient to determine the role of this variant in disease. Therefore, it has been classified as a Variant of Uncertain Significance. Algorithms developed to predict the effect of missense changes on protein structure and function are either unavailable or do not agree on the potential impact of this missense change (SIFT: "Deleterious"; PolyPhen-2: "Not Available"; Align-GVGD: "Class C0"). This variant has not been reported in the literature in individuals with RSPH4A-related conditions. This variant is not present in population databases (ExAC no frequency). This sequence change replaces glutamic acid with aspartic acid at codon 685 of the RSPH4A protein (p.Glu685Asp). The glutamic acid residue is highly conserved and there is a small physicochemical difference between glutamic acid and aspartic acid.